The following is an entry in ClinVar:

ClinVar aggregate classification (germline): Uncertain significance (1 of 4 stars; one submission).

Conditions:
Familial thoracic aortic aneurysm and aortic dissection (TAAD). Also called: Thoracic aortic aneurysms and dissections. Identifiers: Orphanet 91387, MedGen C4707243, MONDO:0019625.

gnomAD v4.1: 2 of 1,595,498 alleles (0.00013%); highest among the groups gnomAD compares: Non-Finnish European, 0.00017%; no homozygotes.

Submission:

Ambry Genetics
Classification: Uncertain significance for Familial thoracic aortic aneurysm and aortic dissection. Last evaluated: 2025-01-21. Review status: criteria provided, single submitter. Criteria: Ambry Variant Classification Scheme 2023. Collection method: clinical testing. Allele origin: germline.
Comment: The p.N631S variant (also known as c.1892A>G), located in coding exon 6 of the SKI gene, results from an A to G substitution at nucleotide position 1892. The asparagine at codon 631 is replaced by serine, an amino acid with highly similar properties. This amino acid position is conserved. In addition, this alteration is predicted to be tolerated by in silico analysis. Based on the available evidence, the clinical significance of this variant remains unclear.

NM_003036.4(SKI):c.1892A>G (p.Asn631Ser)

Gene: SKI (SKI proto-oncogene; plus strand). Cytogenetic location: 1p36.32.
Variant type: single nucleotide variant.
Coding change: c.1892A>G on transcript NM_003036.4 (MANE Select); coding-DNA position 1892, A replaced by G.
Protein change: p.Asn631Ser; replaces asparagine 631 with serine.
Molecular consequence: missense variant.
Genome position (GRCh38, 1-based): chr1:2,306,144, A>G. VCF-style: chr1-2306144-A-G. GRCh37 (hg19) VCF-style: chr1-2237583-A-G.
Other names: short protein forms N631S.
Identifiers: ClinVar variation 3796269 (VCV003796269.1).